The following is an entry in ClinVar:

NM_001291867.2(NHS):c.2469T>G (p.Asp823Glu)

Gene: NHS (NHS actin remodeling regulator; plus strand). Cytogenetic location: Xp22.13.
Variant type: single nucleotide variant.
Coding change: c.2469T>G on transcript NM_001291867.2 (MANE Select); coding-DNA position 2469, T replaced by G.
Protein change: p.Asp823Glu; replaces aspartic acid 823 with glutamic acid.
Molecular consequence: missense variant.
Genome position (GRCh38, 1-based): chrX:17,726,575, T>G. VCF-style: chrX-17726575-T-G. GRCh37 (hg19) VCF-style: chrX-17744695-T-G.
Other names: c.1938T>G, p.Asp646Glu (NM_001136024.4); c.1875T>G, p.Asp625Glu (NM_001291868.2); c.2406T>G, p.Asp802Glu (NM_198270.4); short protein forms D625E, D823E, D646E, D802E.
Identifiers: ClinVar variation 3680011 (VCV003680011.2).

ClinVar aggregate classification (germline): Uncertain significance (1 of 4 stars; one submission).

Conditions:
Nance-Horan syndrome (NHS). Identifiers: Orphanet 627, MedGen C0796085, MONDO:0010545, OMIM 302350.

Submission:

Labcorp Genetics (formerly Invitae), Labcorp
Classification: Uncertain significance for Nance-Horan syndrome. Last evaluated: 2024-05-21. Review status: criteria provided, single submitter. Criteria: Invitae Variant Classification Sherloc (09022015). Collection method: clinical testing. Allele origin: germline.
Comment: This sequence change replaces aspartic acid, which is acidic and polar, with glutamic acid, which is acidic and polar, at codon 802 of the NHS protein (p.Asp802Glu). This variant is not present in population databases (gnomAD no frequency). This variant has not been reported in the literature in individuals affected with NHS-related conditions. Advanced modeling of protein sequence and biophysical properties (such as structural, functional, and spatial information, amino acid conservation, physicochemical variation, residue mobility, and thermodynamic stability) performed at Invitae indicates that this missense variant is not expected to disrupt NHS protein function with a negative predictive value of 80%. In summary, the available evidence is currently insufficient to determine the role of this variant in disease. Therefore, it has been classified as a Variant of Uncertain Significance.